The following is an entry in ClinVar:

NM_032634.4(PIGO):c.1919G>T (p.Arg640Leu)

Gene: PIGO (phosphatidylinositol glycan anchor biosynthesis class O; minus strand). Cytogenetic location: 9p13.3.
Variant type: single nucleotide variant.
Coding change: c.1919G>T on transcript NM_032634.4 (MANE Select); coding-DNA position 1919, G replaced by T.
Protein change: p.Arg640Leu; replaces arginine 640 with leucine.
Molecular consequence: missense variant. On other transcripts: intron variant (2).
Genome position (GRCh38, 1-based): chr9:35,091,968, C>A on the plus strand (G>T on the coding strand, the complement: PIGO is on the minus strand). VCF-style: chr9-35091968-C-A. GRCh37 (hg19) VCF-style: chr9-35091965-C-A.
Other names: c.1344+575G>T (NM_152850.4, NM_001201484.2); short protein forms R640L.
Identifiers: ClinVar variation 1362557 (VCV001362557.8), dbSNP rs918368312, ClinGen allele CA373321150.

ClinVar aggregate classification (germline): Uncertain significance (1 of 4 stars; one submission).

Conditions:
Hyperphosphatasia with impaired intellectual development syndrome 2. Also called: Hyperphosphatasia with intellectual disability syndrome 2; GLYCOSYLPHOSPHATIDYLINOSITOL BIOSYNTHESIS DEFECT 6. Identifiers: Orphanet 247262, MedGen C3553637, MONDO:0013882, OMIM 614749.

gnomAD v4.1: 4 of 1,614,190 alleles (0.00025%); highest among the groups gnomAD compares: Non-Finnish European, 0.00034%; no homozygotes.

Submission:

Labcorp Genetics (formerly Invitae), Labcorp
Classification: Uncertain significance for Hyperphosphatasia with impaired intellectual development syndrome 2. Last evaluated: 2022-10-25. Review status: criteria provided, single submitter. Criteria: Invitae Variant Classification Sherloc (09022015). Collection method: clinical testing. Allele origin: germline.
Comment: In summary, the available evidence is currently insufficient to determine the role of this variant in disease. Therefore, it has been classified as a Variant of Uncertain Significance. Algorithms developed to predict the effect of missense changes on protein structure and function are either unavailable or do not agree on the potential impact of this missense change (SIFT: "Tolerated"; PolyPhen-2: "Possibly Damaging"; Align-GVGD: "Class C0"). ClinVar contains an entry for this variant (Variation ID: 1362557). This variant has not been reported in the literature in individuals affected with PIGO-related conditions. This variant is not present in population databases (gnomAD no frequency). This sequence change replaces arginine, which is basic and polar, with leucine, which is neutral and non-polar, at codon 640 of the PIGO protein (p.Arg640Leu).